The following is an entry in ClinVar:

ClinVar aggregate classification (germline): Likely pathogenic (1 of 4 stars; one submission).

Conditions:
Marfan syndrome (MFS). Also called: FBN1-Related Marfan Syndrome; MARFAN SYNDROME, TYPE I; Marfan syndrome type 1; Marfan's syndrome; Marfan syndrome, classic. Identifiers: Orphanet 284963, Orphanet 558, MedGen C0024796, MONDO:0007947, OMIM 154700.
Familial thoracic aortic aneurysm and aortic dissection (TAAD). Also called: Thoracic aortic aneurysms and dissections. Identifiers: Orphanet 91387, MedGen C4707243, MONDO:0019625.

Submission:

Labcorp Genetics (formerly Invitae), Labcorp
Classification: Likely pathogenic for Marfan syndrome; Familial thoracic aortic aneurysm and aortic dissection. Last evaluated: 2022-11-29. Review status: criteria provided, single submitter. Criteria: Invitae Variant Classification Sherloc (09022015). Collection method: clinical testing. Allele origin: germline.
Comment: In summary, the currently available evidence indicates that the variant is pathogenic, but additional data are needed to prove that conclusively. Therefore, this variant has been classified as Likely Pathogenic. This variant disrupts the p.Gly880 amino acid residue in FBN1. Other variant(s) that disrupt this residue have been determined to be pathogenic (PMID: 12402346, 27906200). This suggests that this residue is clinically significant, and that variants that disrupt this residue are likely to be disease-causing. Advanced modeling of protein sequence and biophysical properties (such as structural, functional, and spatial information, amino acid conservation, physicochemical variation, residue mobility, and thermodynamic stability) performed at Invitae indicates that this missense variant is expected to disrupt FBN1 protein function. ClinVar contains an entry for this variant (Variation ID: 970113). This missense change has been observed in individual(s) with Marfan syndrome (Invitae). This variant is not present in population databases (gnomAD no frequency). This sequence change replaces glycine, which is neutral and non-polar, with valine, which is neutral and non-polar, at codon 880 of the FBN1 protein (p.Gly880Val).

Literature cited by the submitters: PubMed 12402346; PubMed 27906200.

NM_000138.5(FBN1):c.2639G>T (p.Gly880Val)

Gene: FBN1 (fibrillin 1; minus strand). Cytogenetic location: 15q21.1.
Variant type: single nucleotide variant.
Coding change: c.2639G>T on transcript NM_000138.5 (MANE Select); coding-DNA position 2639, G replaced by T.
Protein change: p.Gly880Val; replaces glycine 880 with valine.
Molecular consequence: missense variant.
Genome position (GRCh38, 1-based): chr15:48,495,161, C>A on the plus strand (G>T on the coding strand, the complement: FBN1 is on the minus strand). VCF-style: chr15-48495161-C-A. GRCh37 (hg19) VCF-style: chr15-48787358-C-A.
Other names: short protein forms G880V.
Identifiers: ClinVar variation 970113 (VCV000970113.10), dbSNP rs886038953, ClinGen allele CA392332206.